The following is an entry in ClinVar:

NM_001009944.3(PKD1):c.7508_7518del (p.Asp2503fs)

Gene: PKD1 (polycystin 1, transient receptor potential channel interacting; minus strand). Cytogenetic location: 16p13.3.
Variant type: Deletion.
Coding change: c.7508_7518del on transcript NM_001009944.3 (MANE Select); coding-DNA positions 7508 to 7518, 11 bases deleted (ATGCTGGCGCC).
Protein change: p.Asp2503fs; shifts the reading frame from aspartic acid 2503.
Molecular consequence: frameshift variant.
Genome position (GRCh38, 1-based): chr16:2,106,276-2,106,286, GGCGCCAGCAT deleted on the plus strand (ATGCTGGCGCC on the coding strand, the reverse complement: PKD1 is on the minus strand). VCF-style (leftmost placement, unchanged base first): chr16-2106275-GGGCGCCAGCAT-G. GRCh37 (hg19) VCF-style: chr16-2156276-GGGCGCCAGCAT-G.
Other names: c.7508_7518del, p.Asp2503fs (NM_000296.4); short protein forms D2503fs.
Identifiers: ClinVar variation 3256868 (VCV003256868.1).

ClinVar aggregate classification (germline): Pathogenic (1 of 4 stars; one submission).

Conditions:
Polycystic kidney disease, adult type (PKD1). Also called: Polycystic Kidney Disease 1, Autosomal Dominant; Polycystic kidney disease 1; Polycystic kidney disease 1, severe; POLYCYSTIC KIDNEY DISEASE, ADULT, TYPE I; Polycystic Kidney, Autosomal Dominant; POLYCYSTIC KIDNEY DISEASE 1 WITH OR WITHOUT POLYCYSTIC LIVER DISEASE. Identifiers: MedGen C3149841, MONDO:0008263, OMIM 173900.

Submission:

MVZ Medizinische Genetik Mainz
Classification: Pathogenic for Polycystic kidney disease, adult type. Last evaluated: 2024-06-19. Review status: criteria provided, single submitter. Criteria: UK Practice Guidelines For Variant Classification V4 01 2020. Collection method: clinical testing. Allele origin: germline. Inheritance: Autosomal dominant inheritance. Affected: yes. Observed: 1 variant allele.
Comment: ACMG Criteria: PVS1,PM2_SUP,PP4